The following is an entry in ClinVar:

ClinVar aggregate classification (germline): Uncertain significance (1 of 4 stars; one submission).

Conditions:
Progressive encephalopathy with leukodystrophy due to DECR deficiency. Identifiers: Orphanet 431361, MedGen C1857252, MONDO:0014464, OMIM 616034.

Submission:

Labcorp Genetics (formerly Invitae), Labcorp
Classification: Uncertain significance for Progressive encephalopathy with leukodystrophy due to DECR deficiency. Last evaluated: 2024-12-09. Review status: criteria provided, single submitter. Criteria: Invitae Variant Classification Sherloc (09022015). Collection method: clinical testing. Allele origin: germline.
Comment: This sequence change replaces glycine, which is neutral and non-polar, with arginine, which is basic and polar, at codon 57 of the NADK2 protein (p.Gly57Arg). This variant is not present in population databases (gnomAD no frequency). This variant has not been reported in the literature in individuals affected with NADK2-related conditions. ClinVar contains an entry for this variant (Variation ID: 1352672). Invitae Evidence Modeling of protein sequence and biophysical properties (such as structural, functional, and spatial information, amino acid conservation, physicochemical variation, residue mobility, and thermodynamic stability) indicates that this missense variant is not expected to disrupt NADK2 protein function with a negative predictive value of 80%. In summary, the available evidence is currently insufficient to determine the role of this variant in disease. Therefore, it has been classified as a Variant of Uncertain Significance.

NM_001085411.3(NADK2):c.169G>C (p.Gly57Arg)

Genes: NADK2 (NAD kinase 2, mitochondrial; minus strand), LOC129993801 (ATAC-STARR-seq lymphoblastoid silent region 15972; plus strand). Cytogenetic location: 5p13.2.
Variant type: single nucleotide variant.
Coding change: c.169G>C on transcript NM_001085411.3 (MANE Select); coding-DNA position 169, G replaced by C.
Protein change: p.Gly57Arg; replaces glycine 57 with arginine.
Molecular consequence: missense variant. On other transcripts: intron variant (2).
Genome position (GRCh38, 1-based): chr5:36,241,630, C>G on the plus strand (G>C on the coding strand, the complement: NADK2 is on the minus strand). VCF-style: chr5-36241630-C-G. GRCh37 (hg19) VCF-style: chr5-36241732-C-G.
Other names: c.-190+466G>C (NM_153013.5, NM_001287341.2); short protein forms G57R.
Identifiers: ClinVar variation 1352672 (VCV001352672.8), dbSNP rs1227454883, ClinGen allele CA359447870.